The following is an entry in ClinVar:

NM_006516.4(SLC2A1):c.863A>G (p.Asn288Ser)

Gene: SLC2A1 (solute carrier family 2 member 1; minus strand). Cytogenetic location: 1p34.2.
Variant type: single nucleotide variant.
Coding change: c.863A>G on transcript NM_006516.4 (MANE Select); coding-DNA position 863, A replaced by G.
Protein change: p.Asn288Ser; replaces asparagine 288 with serine.
Molecular consequence: missense variant.
Genome position (GRCh38, 1-based): chr1:42,929,597, T>C on the plus strand (A>G on the coding strand, the complement: SLC2A1 is on the minus strand). VCF-style: chr1-42929597-T-C. GRCh37 (hg19) VCF-style: chr1-43395268-T-C.
Other names: short protein forms N288S.
Identifiers: ClinVar variation 4799890 (VCV004799890.1).

ClinVar aggregate classification (germline): Uncertain significance (1 of 4 stars; one submission).

Conditions:
GLUT1 deficiency syndrome 1, autosomal recessive. Identifiers: MedGen C3149117.

Submission:

Labcorp Genetics (formerly Invitae), Labcorp
Classification: Uncertain significance for GLUT1 deficiency syndrome 1, autosomal recessive. Last evaluated: 2025-02-09. Review status: criteria provided, single submitter. Criteria: Invitae Variant Classification Sherloc (09022015). Collection method: clinical testing. Allele origin: germline.
Comment: This sequence change replaces asparagine, which is neutral and polar, with serine, which is neutral and polar, at codon 288 of the SLC2A1 protein (p.Asn288Ser). This variant is not present in population databases (gnomAD no frequency). This variant has not been reported in the literature in individuals affected with SLC2A1-related conditions. Invitae Evidence Modeling of protein sequence and biophysical properties (such as structural, functional, and spatial information, amino acid conservation, physicochemical variation, residue mobility, and thermodynamic stability) indicates that this missense variant is expected to disrupt SLC2A1 protein function with a positive predictive value of 95%. In summary, the available evidence is currently insufficient to determine the role of this variant in disease. Therefore, it has been classified as a Variant of Uncertain Significance.